The following is an entry in ClinVar:

ClinVar aggregate classification (germline): Likely benign. Review status: criteria provided, multiple submitters, no conflicts (2 of 4 stars). 3 submissions from 3 submitters: Likely benign (2). 1 of the submissions does not count toward it. Last evaluated 2026-08-02.

Conditions:
Zellweger spectrum disorders (ZS). Also called: Zellweger Spectrum Disorder; Zellweger Spectrum; Zellweger Spectrum Disorder (ZSD); Zellweger syndrome. Identifiers: Orphanet 912, MedGen C0043459, MONDO:0019609.
PEX1-related disorder. Also called: PEX1-related condition.

Allele frequency attached by ClinVar (database versions not stated): gnomAD 0.00001; gnomAD exomes 0.00001 and 0.00004; TOPMed 0.00002; ExAC 0.00004.
gnomAD v4.1: 22 of 1,613,858 alleles (0.0014%); highest among the groups gnomAD compares: Admixed American, 0.015%; no homozygotes.

Submissions (3):

PreventionGenetics, part of Exact Sciences
Classification: Likely benign for PEX1-related condition. Last evaluated: 2026-08-02. Review status: criteria provided, single submitter. Criteria: ACMG Guidelines, 2015. Collection method: clinical testing. Allele origin: germline.
Comment: This variant is classified as likely benign based on ACMG/AMP sequence variant interpretation guidelines (Richards et al. 2015 PMID: 25741868, with internal and published modifications).

Labcorp Genetics (formerly Invitae), Labcorp
Classification: Likely benign for Zellweger spectrum disorders. Last evaluated: 2024-12-11. Review status: criteria provided, single submitter. Criteria: Invitae Variant Classification Sherloc (09022015). Collection method: clinical testing. Allele origin: germline.

Natera, Inc.
Classification: Likely benign for Zellweger syndrome. Last evaluated: 2020-03-03. Review status: no assertion criteria provided. Collection method: clinical testing. Allele origin: germline. Not counted in ClinVar's aggregate classification.

NM_000466.3(PEX1):c.2853T>C (p.His951=)

Genes: GATAD1 (GATA zinc finger domain containing 1; plus strand), PEX1 (peroxisomal biogenesis factor 1; minus strand). Cytogenetic location: 7q21.2.
Variant type: single nucleotide variant.
Coding change: c.2853T>C on transcript NM_000466.3 (MANE Select); coding-DNA position 2853, T replaced by C.
Protein change: p.His951=; no amino-acid change (histidine 951 retained).
Molecular consequence: synonymous variant.
Genome position (GRCh38, 1-based): chr7:92,494,560, A>G on the plus strand (T>C on the coding strand, the complement: PEX1 is on the minus strand). VCF-style: chr7-92494560-A-G. GRCh37 (hg19) VCF-style: chr7-92123874-A-G.
Other names: c.2682T>C, p.His894= (NM_001282677.2); c.2229T>C, p.His743= (NM_001282678.2).
Identifiers: ClinVar variation 765302 (VCV000765302.15), dbSNP rs768094112, ClinGen allele CA4340992.